The following is an entry in ClinVar:

NM_001277115.2(DNAH11):c.4944+6A>G

Gene: DNAH11 (dynein axonemal heavy chain 11; plus strand). Cytogenetic location: 7p15.3.
Variant type: single nucleotide variant.
Coding change: c.4944+6A>G on transcript NM_001277115.2 (MANE Select); 6 bases into the intron after coding-DNA position 4944, A replaced by G.
Molecular consequence: intron variant.
Genome position (GRCh38, 1-based): chr7:21,639,071, A>G. VCF-style: chr7-21639071-A-G. GRCh37 (hg19) VCF-style: chr7-21678689-A-G.
Identifiers: ClinVar variation 574645 (VCV000574645.6), dbSNP rs761989552, ClinGen allele CA4180225.
Genomic context (GRCh38, chr7:21,639,071, plus strand): 5'-CGTCTCTTCTGCTGATTTACTTGACATTCTCTCAAAAGGAGCTCAGCCTAAACAGGTAAT[A>G]TTTTTTTTGAAAGTCTCGTATTATACTGTGTTAGCTGAGGAATGTCATAGCGTCTCTATC-3'

ClinVar aggregate classification (germline): Uncertain significance (1 of 4 stars; one submission).

Conditions:
Primary ciliary dyskinesia. Also called: Ciliary dyskinesia. Identifiers: Orphanet 244, MedGen C0008780, MONDO:0016575, HP:0012265.

Allele frequency attached by ClinVar (database versions not stated): gnomAD below 0.00001 and 0.00001; gnomAD exomes below 0.00001 and 0.00001; ExAC 0.00001; TOPMed 0.00002.
gnomAD v4.1: 12 of 1,601,804 alleles (0.00075%); highest among the groups gnomAD compares: East Asian, 0.0067%; no homozygotes.

Submission:

Labcorp Genetics (formerly Invitae), Labcorp
Classification: Uncertain significance for Primary ciliary dyskinesia. Last evaluated: 2021-08-28. Review status: criteria provided, single submitter. Criteria: Invitae Variant Classification Sherloc (09022015). Collection method: clinical testing. Allele origin: germline.
Comment: This sequence change falls in intron 28 of the DNAH11 gene. It does not directly change the encoded amino acid sequence of the DNAH11 protein. It affects a nucleotide within the consensus splice site of the intron. The frequency data for this variant in the population databases is considered unreliable, as metrics indicate poor data quality at this position in the ExAC database. This variant has not been reported in the literature in individuals affected with DNAH11-related conditions. Variants that disrupt the consensus splice site are a relatively common cause of aberrant splicing (PMID: 17576681, 9536098). Algorithms developed to predict the effect of sequence changes on RNA splicing suggest that this variant is not likely to affect RNA splicing. In summary, the available evidence is currently insufficient to determine the role of this variant in disease. Therefore, it has been classified as a Variant of Uncertain Significance.

Literature cited by the submitters: PubMed 17576681; PubMed 9536098.